The following is an entry in ClinVar:

ClinVar aggregate classification (germline): Uncertain significance. Review status: criteria provided, multiple submitters, no conflicts (2 of 4 stars). 2 submissions from 2 submitters: Uncertain significance (2). Last evaluated 2022-07-19.

Conditions:
Brody myopathy. Also called: BRODY DISEASE. Identifiers: Orphanet 53347, MedGen C1832918, MONDO:0010977, OMIM 601003.

Allele frequency attached by ClinVar (database versions not stated): ExAC 0.00001; gnomAD 0.00001 and 0.00002; gnomAD exomes 0.00001 and 0.00002.
gnomAD v4.1: 16 of 1,613,790 alleles (0.00099%); highest among the groups gnomAD compares: Admixed American, 0.012%; no homozygotes.

Submissions (2):

Labcorp Genetics (formerly Invitae), Labcorp
Classification: Uncertain significance for Brody myopathy. Last evaluated: 2022-07-19. Review status: criteria provided, single submitter. Criteria: Invitae Variant Classification Sherloc (09022015). Collection method: clinical testing. Allele origin: germline.
Comment: In summary, the available evidence is currently insufficient to determine the role of this variant in disease. Therefore, it has been classified as a Variant of Uncertain Significance. Algorithms developed to predict the effect of sequence changes on RNA splicing suggest that this variant may create or strengthen a splice site. Algorithms developed to predict the effect of missense changes on protein structure and function (SIFT, PolyPhen-2, Align-GVGD) all suggest that this variant is likely to be tolerated. ClinVar contains an entry for this variant (Variation ID: 1302879). This variant has not been reported in the literature in individuals affected with ATP2A1-related conditions. This variant is present in population databases (rs750155383, gnomAD 0.009%). This sequence change replaces isoleucine, which is neutral and non-polar, with valine, which is neutral and non-polar, at codon 840 of the ATP2A1 protein (p.Ile840Val).

GeneDx
Classification: Uncertain significance. Last evaluated: 2019-08-02. Review status: criteria provided, single submitter. Criteria: GeneDx Variant Classification Process June 2021. Collection method: clinical testing. Allele origin: germline. Affected: yes.
Comment: Not observed at a significant frequency in large population cohorts (Lek et al., 2016); Has not been previously published as pathogenic or benign to our knowledge

NM_004320.6(ATP2A1):c.2518A>G (p.Ile840Val)

Gene: ATP2A1 (ATPase sarcoplasmic/endoplasmic reticulum Ca2+ transporting 1; plus strand). Cytogenetic location: 16p11.2.
Variant type: single nucleotide variant.
Coding change: c.2518A>G on transcript NM_004320.6 (MANE Select); coding-DNA position 2518, A replaced by G.
Protein change: p.Ile840Val; replaces isoleucine 840 with valine.
Molecular consequence: missense variant.
Genome position (GRCh38, 1-based): chr16:28,902,380, A>G. VCF-style: chr16-28902380-A-G. GRCh37 (hg19) VCF-style: chr16-28913701-A-G.
Other names: c.2143A>G, p.Ile715Val (NM_001286075.2); c.2518A>G, p.Ile840Val (NM_173201.5); short protein forms I715V, I840V.
Identifiers: ClinVar variation 1302879 (VCV001302879.6), dbSNP rs750155383, ClinGen allele CA7987276.
Genomic context (GRCh38, chr16:28,902,380, plus strand): 5'-CCCCCCCGGAGCCCCAAGGAGCCCCTCATCAGTGGCTGGCTCTTCTTCCGCTACATGGCA[A>G]TCGGGGGTGAGCTGGAGGGGTTCCTCGATCCTCCCCACCCCTTGGGACTAACCCCCTCTC-3'
Protein context (NP_004311.1, residues 830-850): SGWLFFRYMA[Ile840Val]GGYVGAATVG